The following is an entry in ClinVar:

ClinVar aggregate classification (germline): Pathogenic. Review status: criteria provided, multiple submitters, no conflicts (2 of 4 stars). 3 submissions from 3 submitters: Pathogenic (3). Last evaluated 2023-08-11.

Conditions:
DICER1-related tumor predisposition. Also called: DICER1 syndrome; DICER1-related pleuropulmonary blastoma cancer predisposition syndrome. Identifiers: Orphanet 284343, MedGen C3839822, MONDO:0100216.

Submissions (3):

Labcorp Genetics (formerly Invitae), Labcorp
Classification: Pathogenic for DICER1-related tumor predisposition. Last evaluated: 2023-08-11. Review status: criteria provided, single submitter. Criteria: Invitae Variant Classification Sherloc (09022015). Collection method: clinical testing. Allele origin: germline.
Comment: ClinVar contains an entry for this variant (Variation ID: 254300). For these reasons, this variant has been classified as Pathogenic. This variant is also known as 2092insA Y627X. This premature translational stop signal has been observed in individual(s) with embryonal rhabdomyosarcoma and/or pleuropulmonary blastoma (PMID: 19556464, 22180160). This variant is not present in population databases (gnomAD no frequency). This sequence change creates a premature translational stop signal (p.Tyr637*) in the DICER1 gene. It is expected to result in an absent or disrupted protein product. Loss-of-function variants in DICER1 are known to be pathogenic (PMID: 19556464, 21266384).

Foulkes Cancer Genetics LDI, Lady Davis Institute for Medical Research
Classification: Pathogenic for Pleuropulmonary blastoma. Last evaluated: 2019-07-01. Review status: criteria provided, single submitter. Criteria: ACMG Guidelines, 2015. Collection method: curation. Allele origin: germline. Affected: yes. Observed: 3 variant alleles.
Comment: ACMG criteria met: PVS1, PM2, PP4

International Pleuropulmonary Blastoma Registry, Children's Hospitals and Clinics of Minnesota
Classification: Pathogenic for Pleuropulmonary blastoma. Last evaluated: 2014-11-10. Review status: criteria provided, single submitter. Criteria: Hill et al. (Science. 2009). Collection method: clinical testing. Allele origin: germline. Affected: yes. Study: PPB-DICER1 Genetic study.

Literature cited by the submitters: PubMed 19556464 (cited by Labcorp Genetics (formerly Invitae), Labcorp and Foulkes Cancer Genetics LDI, Lady Davis Institute for Medical Research); PubMed 22180160 (cited by Labcorp Genetics (formerly Invitae), Labcorp and Foulkes Cancer Genetics LDI, Lady Davis Institute for Medical Research); PubMed 21266384 (cited by Labcorp Genetics (formerly Invitae), Labcorp); PubMed 26925222 (cited by Foulkes Cancer Genetics LDI, Lady Davis Institute for Medical Research and International Pleuropulmonary Blastoma Registry, Children's Hospitals and Clinics of Minnesota).

NM_177438.3(DICER1):c.1910dup (p.Tyr637Ter)

Gene: DICER1 (dicer 1, ribonuclease III; minus strand). Cytogenetic location: 14q32.13.
Variant type: Duplication.
Coding change: c.1910dup on transcript NM_177438.3 (MANE Select); coding-DNA position 1910, one base duplicated (A; older notation c.1910dupA).
Protein change: p.Tyr637Ter; replaces tyrosine 637 with a stop codon.
Molecular consequence: nonsense.
Genome position (GRCh38, 1-based): chr14:95,113,222, T duplicated on the plus strand (A on the coding strand, the reverse complement: DICER1 is on the minus strand). VCF-style (leftmost placement, unchanged base first): chr14-95113221-G-GT. GRCh37 (hg19) VCF-style: chr14-95579558-G-GT.
Other names: c.1910dup, p.Tyr637Ter (NM_001195573.1, NM_001271282.3, NM_001291628.2 and 1 more transcripts); c.1910dupA (NM_177438.2); short protein forms Y637*.
Identifiers: ClinVar variation 254300 (VCV000254300.7), dbSNP rs886037682, ClinGen allele CA10586447.